The following is an entry in ClinVar:

ClinVar aggregate classification (germline): Benign. Review status: criteria provided, multiple submitters, no conflicts (2 of 4 stars). 10 submissions from 10 submitters: Benign (8). 2 of the submissions do not count toward it. Last evaluated 2026-02-04.

Conditions:
Hermansky-Pudlak syndrome (HPS). Also called: ALBINISM WITH HEMORRHAGIC DIATHESIS AND PIGMENTED RETICULOENDOTHELIAL CELLS. Identifiers: Orphanet 79430, MedGen C0079504, MONDO:0019312.
Hermansky-Pudlak syndrome 3 (HPS3). Identifiers: Orphanet 231512, Orphanet 79430, MedGen C3888001, MONDO:0013555, OMIM 614072.

Allele frequency attached by ClinVar (database versions not stated): 1000 Genomes Project 0.02177; 1000 Genomes Project 30x 0.02202; TOPMed 0.02396; gnomAD 0.02580 and 0.02704; ESP Exome Variant Server 0.02637; gnomAD exomes 0.03462 and 0.03899; ExAC 0.03482.
gnomAD v4.1: 60,579 of 1,606,870 alleles (3.8%); highest among the groups gnomAD compares: Middle Eastern, 7.2%; 1,367 homozygotes.

Submissions (10):

Labcorp Genetics (formerly Invitae), Labcorp
Classification: Benign. Last evaluated: 2026-02-04. Review status: criteria provided, single submitter. Criteria: Invitae Variant Classification Sherloc (09022015). Collection method: clinical testing. Allele origin: germline.

Women's Health and Genetics/Laboratory Corporation of America, LabCorp
Classification: Benign. Last evaluated: 2025-02-09. Review status: criteria provided, single submitter. Criteria: LabCorp Variant Classification Summary - May 2015. Collection method: clinical testing. Allele origin: germline.

Mayo Clinic Laboratories, Mayo Clinic
Classification: Benign. Last evaluated: 2023-08-04. Review status: criteria provided, single submitter. Criteria: ACMG Guidelines, 2015. Collection method: clinical testing. Allele origin: germline. Observed: 28 variant alleles.

Genome-Nilou Lab
Classification: Benign for Hermansky-Pudlak syndrome 3. Last evaluated: 2021-07-10. Review status: criteria provided, single submitter. Criteria: ACMG Guidelines, 2015. Collection method: clinical testing. Allele origin: germline. Affected: no.

Illumina Laboratory Services, Illumina
Classification: Benign for Hermansky-Pudlak syndrome 3. Last evaluated: 2018-01-13. Review status: criteria provided, single submitter. Criteria: ICSL Variant Classification Criteria 13 December 2019. Collection method: clinical testing. Allele origin: germline.
Comment: This variant was observed in the ICSL laboratory as part of a predisposition screen in an ostensibly healthy population. It had not been previously curated by ICSL or reported in the Human Gene Mutation Database (HGMD: prior to June 1st, 2018), and was therefore a candidate for classification through an automated scoring system. Utilizing variant allele frequency, disease prevalence and penetrance estimates, and inheritance mode, an automated score was calculated to assess if this variant is too frequent to cause the disease. Based on the score and internal cut-off values, a variant classified as benign is not then subjected to further curation. The score for this variant resulted in a classification of benign for this disease.

Laboratory for Molecular Medicine, Mass General Brigham Personalized Medicine
Classification: Benign. Last evaluated: 2013-02-21. Review status: criteria provided, single submitter. Criteria: LMM Criteria. Collection method: clinical testing. Allele origin: germline. Observed: 9 variant alleles.
Comment: 970+7A>G in intron 4 of HPS3: This variant is not expected to have clinical sign ificance because it is not located within the conserved splice consensus sequenc e. It has been identified in 3.6% (309/8600) of European American chromosomes fr om a broad population by the NHLBI Exome Sequencing Project (dbSNP rs114029765).

Breakthrough Genomics
Classification: Benign. Review status: criteria provided, single submitter. Criteria: ACMG Guidelines, 2015. Collection method: not provided. Allele origin: germline. Inheritance: Autosomal recessive inheritance. Affected: yes.

PreventionGenetics, part of Exact Sciences
Classification: Benign. Review status: criteria provided, single submitter. Criteria: ACMG Guidelines, 2015. Collection method: clinical testing. Allele origin: germline.

Natera, Inc.
Classification: Benign for Hermansky-Pudlak syndrome. Last evaluated: 2020-09-16. Review status: no assertion criteria provided. Collection method: clinical testing. Allele origin: germline. Not counted in ClinVar's aggregate classification.

Counsyl
Classification: Benign for Hermansky-Pudlak syndrome 3. Last evaluated: 2016-12-16. Review status: no assertion criteria provided. Collection method: clinical testing. Allele origin: unknown. Not counted in ClinVar's aggregate classification.

NM_032383.5(HPS3):c.970+7A>G

Gene: HPS3 (HPS3 biogenesis of lysosomal organelles complex 2 subunit 1; plus strand). Cytogenetic location: 3q24.
Variant type: single nucleotide variant.
Coding change: c.970+7A>G on transcript NM_032383.5 (MANE Select); 7 bases into the intron after coding-DNA position 970, A replaced by G.
Molecular consequence: intron variant.
Genome position (GRCh38, 1-based): chr3:149,141,387, A>G. VCF-style: chr3-149141387-A-G. GRCh37 (hg19) VCF-style: chr3-148859174-A-G.
Other names: p.?; c.475+7A>G (NM_001308258.2).
Identifiers: ClinVar variation 178776 (VCV000178776.25), dbSNP rs114029765, ClinGen allele CA183013.